The following is an entry in ClinVar:

NM_000256.3(MYBPC3):c.1566G>A (p.Ala522=)

Gene: MYBPC3 (myosin binding protein C3; minus strand). Cytogenetic location: 11p11.2.
Variant type: single nucleotide variant.
Coding change: c.1566G>A on transcript NM_000256.3 (MANE Select); coding-DNA position 1566, G replaced by A.
Protein change: p.Ala522=; no amino-acid change (alanine 522 retained).
Molecular consequence: synonymous variant.
Genome position (GRCh38, 1-based): chr11:47,342,636, C>T on the plus strand (G>A on the coding strand, the complement: MYBPC3 is on the minus strand). VCF-style: chr11-47342636-C-T. GRCh37 (hg19) VCF-style: chr11-47364187-C-T.
Other names: p.Ala522=.
Identifiers: ClinVar variation 42546 (VCV000042546.76), dbSNP rs376041792, ClinGen allele CA010646.
Genomic context (GRCh38, chr11:47,342,636, plus strand): 5'-ACCCTGCACAATGAGCTCAGCCAGCGCCTGGCCCCCGCTAGTGCACAGTGCATAGTGCCC[C>T]GCGTCCTCCAGCATGGCCTCGTTGATGATCAGGTGGTGTCTCTGCCCGTCCTTCTTGAAC-3'
Protein context (NP_000247.2, residues 512-532): LIINEAMLED[Ala522=]GHYALCTSGG

ClinVar aggregate classification (germline): Conflicting classifications of pathogenicity. Review status: criteria provided, conflicting classifications (1 of 4 stars). 18 submissions from 17 submitters: Uncertain significance (1); Benign (3); Likely benign (12). 2 of the submissions do not count toward it. Last evaluated 2026-01-28.

Conditions:
Cardiovascular phenotype. Identifiers: MedGen CN230736.
Left ventricular noncompaction 10 (LVNC10). Identifiers: Orphanet 154, Orphanet 54260, MedGen C3715165, MONDO:0014163, OMIM 615396.
Cardiomyopathy (CMYO). Also called: Cardiomyopathies. Identifiers: Orphanet 167848, MedGen C0878544, MONDO:0004994, HP:0001638. Inheritance: Various modes of inheritance.
Hypertrophic cardiomyopathy 4. Also called: Familial hypertrophic cardiomyopathy 4. Identifiers: MedGen C1861862, MONDO:0007268, OMIM 115197.
Hypertrophic cardiomyopathy. Also called: HYPERTROPHIC MYOCARDIOPATHY. Identifiers: Orphanet 217569, MedGen C0007194, MeSH D002312, MONDO:0005045, HP:0001639.

Allele frequency attached by ClinVar (database versions not stated): gnomAD exomes 0.00022 and 0.00018; ExAC 0.00024; 1000 Genomes Project 30x 0.00031; ESP Exome Variant Server 0.00008; TOPMed 0.00014; gnomAD 0.00016 and 0.00017; 1000 Genomes Project 0.00020.
gnomAD v4.1: 293 of 1,613,956 alleles (0.018%); highest among the groups gnomAD compares: Middle Eastern, 0.26%; 1 homozygote.

Submissions (18):

Labcorp Genetics (formerly Invitae), Labcorp
Classification: Likely benign for Hypertrophic cardiomyopathy. Last evaluated: 2026-01-28. Review status: criteria provided, single submitter. Criteria: Invitae Variant Classification Sherloc (09022015). Collection method: clinical testing. Allele origin: germline.

Molecular Diagnostic Laboratory for Inherited Cardiovascular Disease, Montreal Heart Institute
Classification: Likely benign. Last evaluated: 2025-04-09. Review status: criteria provided, single submitter. Criteria: ACMG Guidelines, 2015. Collection method: clinical testing. Allele origin: germline. Affected: no.
Comment: BS1;BP7

ARUP Laboratories, Molecular Genetics and Genomics, ARUP Laboratories
Classification: Benign. Last evaluated: 2025-02-10. Review status: criteria provided, single submitter. Criteria: ARUP Molecular Germline Variant Investigation Process 2024. Collection method: clinical testing. Allele origin: germline.

Mayo Clinic Laboratories, Mayo Clinic
Classification: Likely benign. Last evaluated: 2025-01-07. Review status: criteria provided, single submitter. Criteria: ACMG Guidelines, 2015. Collection method: clinical testing. Allele origin: germline. Observed: 2 variant alleles.
Comment: BS1, BP4, BP7

Blueprint Genetics
Classification: Likely benign. Last evaluated: 2024-09-12. Review status: criteria provided, single submitter. Criteria: ACMG Guidelines, 2015. Collection method: clinical testing. Allele origin: germline.

All of Us Research Program, National Institutes of Health
Classification: Likely benign for Hypertrophic cardiomyopathy. Last evaluated: 2023-12-14. Review status: criteria provided, single submitter. Criteria: ACMG Guidelines, 2015. Collection method: clinical testing. Allele origin: germline. Inheritance: Autosomal dominant inheritance. Observed: 65 variant alleles, 65 heterozygotes.
Comment: This study involves interpretation of variants in research participants for the purpose of population health screening. Participant phenotype was not available at the time of variant classification. Additional details can be found in publication PMID: 35346344, PMCID: PMC8962531

CeGaT Center for Human Genetics Tuebingen
Classification: Likely benign. Last evaluated: 2023-09-01. Review status: criteria provided, single submitter. Criteria: CeGaT Center For Human Genetics Tuebingen Variant Classification Criteria Version 2. Collection method: clinical testing. Allele origin: germline. Affected: yes. Observed: 2 variant alleles.
Comment: MYBPC3: BP4, BP7

Women's Health and Genetics/Laboratory Corporation of America, LabCorp
Classification: Likely benign. Last evaluated: 2023-08-19. Review status: criteria provided, single submitter. Criteria: LabCorp Variant Classification Summary - May 2015. Collection method: clinical testing. Allele origin: germline.

CHEO Genetics Diagnostic Laboratory, Children's Hospital of Eastern Ontario
Classification: Likely benign for Cardiomyopathy. Last evaluated: 2019-02-12. Review status: criteria provided, single submitter. Criteria: ACMG Guidelines, 2015. Collection method: clinical testing. Allele origin: germline.

Color Diagnostics, LLC DBA Color Health
Classification: Likely benign for Cardiomyopathy. Last evaluated: 2018-10-16. Review status: criteria provided, single submitter. Criteria: ACMG Guidelines, 2015. Collection method: clinical testing. Allele origin: germline.

Ambry Genetics
Classification: Likely benign for Cardiovascular phenotype. Last evaluated: 2018-03-07. Review status: criteria provided, single submitter. Criteria: Ambry Variant Classification Scheme 2023. Collection method: clinical testing. Allele origin: germline.

Illumina Laboratory Services, Illumina
Classification: Benign for Left ventricular noncompaction 10. Last evaluated: 2018-01-12. Review status: criteria provided, single submitter. Criteria: ICSL Variant Classification Criteria 13 December 2019. Collection method: clinical testing. Allele origin: germline.
Comment: This variant was observed in the ICSL laboratory as part of a predisposition screen in an ostensibly healthy population. It had not been previously curated by ICSL or reported in the Human Gene Mutation Database (HGMD: prior to June 1st, 2018), and was therefore a candidate for classification through an automated scoring system. Utilizing variant allele frequency, disease prevalence and penetrance estimates, and inheritance mode, an automated score was calculated to assess if this variant is too frequent to cause the disease. Based on the score and internal cut-off values, a variant classified as benign is not then subjected to further curation. The score for this variant resulted in a classification of benign for this disease.

Illumina Laboratory Services, Illumina
Classification: Uncertain significance for Hypertrophic cardiomyopathy 4. Last evaluated: 2018-01-12. Review status: criteria provided, single submitter. Criteria: ICSL Variant Classification Criteria 13 December 2019. Collection method: clinical testing. Allele origin: germline.

Clinical Genetics DNA and cytogenetics Diagnostics Lab, Erasmus MC, Erasmus Medical Center
Classification: Likely benign for Hypertrophic cardiomyopathy 4. Last evaluated: 2017-06-28. Review status: criteria provided, single submitter. Criteria: ACGS Guidelines, 2013. Collection method: clinical testing. Allele origin: germline. Affected: yes. Study: VKGL Data-share Consensus.

Laboratory for Molecular Medicine, Mass General Brigham Personalized Medicine
Classification: Likely benign. Last evaluated: 2015-12-04. Review status: criteria provided, single submitter. Criteria: LMM Criteria. Collection method: clinical testing. Allele origin: germline. Observed: 6 variant alleles.
Comment: p.Ala522Ala in exon 17 of MYBPC3: This variant is not expected to have clinical significance because it does not alter an amino acid residue and is not located within the splice consensus sequence. It has been identified in 23/66374 Europea n chromosomes by the Exome Aggregation Consortium (ExAC; dbSNP rs376041792).

GeneDx
Classification: Benign. Last evaluated: 2015-03-03. Review status: criteria provided, single submitter. Criteria: GeneDx Variant Classification Process June 2021. Collection method: clinical testing. Allele origin: germline. Affected: yes.

Clinical Genetics, Academic Medical Center
Classification: Benign. Review status: no assertion criteria provided. Collection method: clinical testing. Allele origin: germline. Affected: yes. Study: VKGL Data-share Consensus. Not counted in ClinVar's aggregate classification.

Joint Genome Diagnostic Labs from Nijmegen and Maastricht, Radboudumc and MUMC+
Classification: Likely benign. Review status: no assertion criteria provided. Collection method: clinical testing. Allele origin: germline. Affected: yes. Study: VKGL Data-share Consensus. Not counted in ClinVar's aggregate classification.